The following is an entry in ClinVar:

ClinVar aggregate classification (germline): Uncertain significance. Review status: criteria provided, multiple submitters, no conflicts (2 of 4 stars). 3 submissions from 3 submitters: Uncertain significance (3). Last evaluated 2019-09-03.

Conditions:
Cardiovascular phenotype. Identifiers: MedGen CN230736.
Autosomal recessive limb-girdle muscular dystrophy type 2J (LGMDR10). Also called: Limb-girdle muscular dystrophy, type 2J; MUSCULAR DYSTROPHY, LIMB-GIRDLE, AUTOSOMAL RECESSIVE 10. Identifiers: Orphanet 140922, MedGen C1837342, MONDO:0012127, OMIM 608807.
Dilated cardiomyopathy 1G (CMD1G). Identifiers: Orphanet 154, MedGen C1858763, MONDO:0011400, OMIM 604145.

Allele frequency attached by ClinVar (database versions not stated): ExAC 0.00001; gnomAD 0.00001; gnomAD exomes 0.00001; TOPMed 0.00001.
gnomAD v4.1: 3 of 1,614,094 alleles (0.00019%); highest among the groups gnomAD compares: Admixed American, 0.0017%; no homozygotes.

Submissions (3):

GeneDx
Classification: Uncertain significance. Last evaluated: 2019-09-03. Review status: criteria provided, single submitter. Criteria: GeneDx Variant Classification Process June 2021. Collection method: clinical testing. Allele origin: germline. Affected: yes.
Comment: Not observed at a significant frequency in large population cohorts (Lek et al., 2016); Missense variant in a gene in which most reported pathogenic variants are truncating/loss-of-function; Has not been previously published as pathogenic or benign to our knowledge

Ambry Genetics
Classification: Uncertain significance for Cardiovascular phenotype. Last evaluated: 2019-02-20. Review status: criteria provided, single submitter. Criteria: Ambry Variant Classification Scheme 2023. Collection method: clinical testing. Allele origin: germline.
Comment: The p.M435T variant (also known as c.1304T>C), located in coding exon 7 of the TTN gene, results from a T to C substitution at nucleotide position 1304. The methionine at codon 435 is replaced by threonine, an amino acid with similar properties. This amino acid position is not well conserved in available vertebrate species. In addition, this alteration is predicted to be tolerated by in silico analysis. Since supporting evidence is limited at this time, the clinical significance of this alteration remains unclear.

Labcorp Genetics (formerly Invitae), Labcorp
Classification: Uncertain significance for Dilated cardiomyopathy 1G; Autosomal recessive limb-girdle muscular dystrophy type 2J. Last evaluated: 2017-09-14. Review status: criteria provided, single submitter. Criteria: Invitae Variant Classification Sherloc (09022015). Collection method: clinical testing. Allele origin: germline.

NM_001267550.2(TTN):c.1304T>C (p.Met435Thr)

Gene: TTN (titin; minus strand). Cytogenetic location: 2q31.2.
Variant type: single nucleotide variant.
Coding change: c.1304T>C on transcript NM_001267550.2 (MANE Select); coding-DNA position 1304, T replaced by C.
Protein change: p.Met435Thr; replaces methionine 435 with threonine.
Molecular consequence: missense variant.
Genome position (GRCh38, 1-based): chr2:178,794,493, A>G on the plus strand (T>C on the coding strand, the complement: TTN is on the minus strand). VCF-style: chr2-178794493-A-G. GRCh37 (hg19) VCF-style: chr2-179659220-A-G.
Other names: c.1304T>C, p.Met435Thr (NM_001256850.1, NM_003319.4, NM_133378.4 and 3 more transcripts); short protein forms M435T.
Identifiers: ClinVar variation 535078 (VCV000535078.7), dbSNP rs770187975, ClinGen allele CA2006094.